The following is an entry in ClinVar:

ClinVar aggregate classification (germline): Benign/Likely benign. Review status: criteria provided, multiple submitters, no conflicts (2 of 4 stars). 3 submissions from 3 submitters: Benign (1); Likely benign (2). Last evaluated 2024-12-26.

Conditions:
Hereditary nonpolyposis colorectal neoplasms. Identifiers: MedGen C0009405, MeSH D003123.
Hereditary cancer-predisposing syndrome. Also called: Hereditary neoplastic syndrome; Tumor predisposition; Hereditary Cancer Syndrome; Neoplastic Syndromes, Hereditary. Identifiers: Orphanet 140162, MedGen C0027672, MeSH D009386, MONDO:0015356.
Lynch syndrome 5 (LYNCH5). Also called: Colorectal cancer, hereditary nonpolyposis, type 5; Hereditary non-polyposis colorectal cancer, type 5. Identifiers: Orphanet 144, MedGen C1833477, MONDO:0013710, OMIM 614350. Disease mechanism: loss of function.

Submissions (3):

Myriad Genetics, Inc.
Classification: Benign for Lynch syndrome 5. Last evaluated: 2024-12-26. Review status: criteria provided, single submitter. Criteria: Myriad Autosomal Dominant, Autosomal Recessive and X-Linked Classification Criteria (2023). Collection method: clinical testing. Allele origin: unknown.
Comment: This variant is considered benign. This variant is a silent/synonymous amino acid change and it is not expected to impact splicing.

Labcorp Genetics (formerly Invitae), Labcorp
Classification: Likely benign for Hereditary nonpolyposis colorectal neoplasms. Last evaluated: 2024-07-03. Review status: criteria provided, single submitter. Criteria: Invitae Variant Classification Sherloc (09022015). Collection method: clinical testing. Allele origin: germline.

Ambry Genetics
Classification: Likely benign for Hereditary cancer-predisposing syndrome. Last evaluated: 2019-08-20. Review status: criteria provided, single submitter. Criteria: Ambry Variant Classification Scheme 2023. Collection method: clinical testing. Allele origin: germline.

NM_000179.3(MSH6):c.1359A>G (p.Lys453=)

Gene: MSH6 (mutS homolog 6; plus strand). Cytogenetic location: 2p16.3.
Variant type: single nucleotide variant.
Coding change: c.1359A>G on transcript NM_000179.3 (MANE Select); coding-DNA position 1359, A replaced by G.
Protein change: p.Lys453=; no amino-acid change (lysine 453 retained).
Molecular consequence: synonymous variant.
Genome position (GRCh38, 1-based): chr2:47,799,342, A>G. VCF-style: chr2-47799342-A-G. GRCh37 (hg19) VCF-style: chr2-48026481-A-G.
Other names: c.969A>G, p.Lys323= (NM_001281492.2); c.453A>G, p.Lys151= (NM_001281493.2, NM_001281494.2).
Identifiers: ClinVar variation 219541 (VCV000219541.15), dbSNP rs864622147, ClinGen allele CA350271.